The following is an entry in ClinVar:

ClinVar aggregate classification (germline): Benign. Review status: criteria provided, multiple submitters, no conflicts (2 of 4 stars). 14 submissions from 14 submitters: Benign (12). 2 of the submissions do not count toward it. Last evaluated 2026-02-04.

Conditions:
Congenital nephrotic syndrome. Also called: Familial nephrotic syndrome. Identifiers: MedGen C3501848, MeSH C535761, MONDO:0002350, HP:0008677.
Focal segmental glomerulosclerosis (FSGS). Also called: Glomerulosclerosis, focal; Focal sclerosis with hyalinosis. Identifiers: MedGen C0017668, MONDO:0100313, HP:0000097. Disease mechanism: loss of function.
Finnish congenital nephrotic syndrome (NPHS1). Also called: NEPHROTIC SYNDROME, TYPE 1. Identifiers: Orphanet 839, MedGen C0403399, MONDO:0009732, OMIM 256300.

Allele frequency attached by ClinVar (database versions not stated): 1000 Genomes Project 30x 0.09057; 1000 Genomes Project 0.09245; gnomAD exomes 0.09700 and 0.10073; TOPMed 0.10346; gnomAD 0.10560 and 0.10689; ESP Exome Variant Server 0.10595; ExAC 0.13812.
gnomAD v4.1: 162,151 of 1,602,890 alleles (10%); highest among the groups gnomAD compares: African/African-American, 13%; 8,826 homozygotes.

Submissions (20):

Labcorp Genetics (formerly Invitae), Labcorp
Classification: Benign. Last evaluated: 2026-02-04. Review status: criteria provided, single submitter. Criteria: Invitae Variant Classification Sherloc (09022015). Collection method: clinical testing. Allele origin: germline.

Blueprint Genetics
Classification: Benign. Last evaluated: 2024-11-28. Review status: criteria provided, single submitter. Criteria: ACMG Guidelines, 2015. Collection method: clinical testing. Allele origin: germline.

Mayo Clinic Laboratories, Mayo Clinic
Classification: Benign. Last evaluated: 2023-06-21. Review status: criteria provided, single submitter. Criteria: ACMG Guidelines, 2015. Collection method: clinical testing. Allele origin: germline. Observed: 28 variant alleles.
Comment: BA1, BS2, BP4

Genome Diagnostics Laboratory, The Hospital for Sick Children
Classification: Benign for Focal segmental glomerulosclerosis. Last evaluated: 2022-09-27. Review status: criteria provided, single submitter. Criteria: ACMG Guidelines, 2015. Collection method: clinical testing. Allele origin: germline.

Genome-Nilou Lab
Classification: Benign for Finnish congenital nephrotic syndrome. Last evaluated: 2021-06-10. Review status: criteria provided, single submitter. Criteria: ACMG Guidelines, 2015. Collection method: clinical testing. Allele origin: germline. Affected: no.

GeneDx
Classification: Benign. Last evaluated: 2019-11-29. Review status: criteria provided, single submitter. Criteria: GeneDx Variant Classification Process June 2021. Collection method: clinical testing. Allele origin: germline. Affected: yes.
Comment: This variant is associated with the following publications: (PMID: 31216994, 28476686, 9915943, 15086927, 27884173, 12495287, 21228398, 20981092, 20507940)

Illumina Laboratory Services, Illumina
Classification: Benign for Congenital nephrotic syndrome. Last evaluated: 2018-03-06. Review status: criteria provided, single submitter. Criteria: ICSL Variant Classification Criteria 13 December 2019. Collection method: clinical testing. Allele origin: germline.
Comment: This variant was observed in the ICSL laboratory as part of a predisposition screen in an ostensibly healthy population. It had not been previously curated by ICSL or reported in the Human Gene Mutation Database (HGMD: prior to June 1st, 2018), and was therefore a candidate for classification through an automated scoring system. Utilizing variant allele frequency, disease prevalence and penetrance estimates, and inheritance mode, an automated score was calculated to assess if this variant is too frequent to cause the disease. Based on the score and internal cut-off values, a variant classified as benign is not then subjected to further curation. The score for this variant resulted in a classification of benign for this disease.

Athena Diagnostics
Classification: Benign. Last evaluated: 2017-08-16. Review status: criteria provided, single submitter. Criteria: Athena Diagnostics Criteria. Collection method: clinical testing. Allele origin: germline.

Eurofins Ntd Llc (ga)
Classification: Benign. Last evaluated: 2016-08-24. Review status: criteria provided, single submitter. Criteria: EGL Classification Definitions 2015. Collection method: clinical testing. Allele origin: germline. Observed: 2 variant alleles, 2 heterozygotes.

Genome Diagnostics Laboratory, University Medical Center Utrecht
Classification: Benign for Finnish congenital nephrotic syndrome. Last evaluated: 2015-07-20. Review status: criteria provided, single submitter. Criteria: ACGS Guidelines, 2013. Collection method: clinical testing. Allele origin: germline. Affected: yes. Study: VKGL Data-share Consensus.

Breakthrough Genomics
Classification: Benign. Review status: criteria provided, single submitter. Criteria: ACMG Guidelines, 2015. Collection method: not provided. Allele origin: germline. Inheritance: Autosomal recessive inheritance. Affected: yes.

PreventionGenetics, part of Exact Sciences
Classification: Benign. Review status: criteria provided, single submitter. Criteria: ACMG Guidelines, 2015. Collection method: clinical testing. Allele origin: germline.

Natera, Inc.
Classification: Benign for Finnish congenital nephrotic syndrome. Last evaluated: 2020-09-16. Review status: no assertion criteria provided. Collection method: clinical testing. Allele origin: germline. Not counted in ClinVar's aggregate classification.

Diagnostic Laboratory, Department of Genetics, University Medical Center Groningen
Classification: Benign for Finnish congenital nephrotic syndrome. Review status: no assertion criteria provided. Collection method: clinical testing. Allele origin: germline. Affected: yes. Study: VKGL Data-share Consensus. Not counted in ClinVar's aggregate classification.

Dr. Peter K. Rogan Lab, Western University
No classification provided (evidence only). Condition: Nonpapillary renal cell carcinoma. Review status: no classification provided. Collection method: in vitro. Allele origin: not applicable. Functional consequence: skipped exon, retained intron. Not counted in ClinVar's aggregate classification.

Dr. Peter K. Rogan Lab, Western University
No classification provided (evidence only). Condition: Thymoma. Review status: no classification provided. Collection method: in vitro. Allele origin: not applicable. Functional consequence: retained intron. Not counted in ClinVar's aggregate classification.

Dr. Peter K. Rogan Lab, Western University
No classification provided (evidence only). Condition: Thymoma. Review status: no classification provided. Collection method: in vitro. Allele origin: not applicable. Functional consequence: retained intron. Not counted in ClinVar's aggregate classification.

Dr. Peter K. Rogan Lab, Western University
No classification provided (evidence only). Condition: Thymoma. Review status: no classification provided. Collection method: in vitro. Allele origin: not applicable. Functional consequence: retained intron. Not counted in ClinVar's aggregate classification.

Dr. Peter K. Rogan Lab, Western University
No classification provided (evidence only). Condition: Thymoma. Review status: no classification provided. Collection method: in vitro. Allele origin: not applicable. Functional consequence: retained intron. Not counted in ClinVar's aggregate classification.

Dr. Peter K. Rogan Lab, Western University
No classification provided (evidence only). Condition: Thymoma. Review status: no classification provided. Collection method: in vitro. Allele origin: not applicable. Functional consequence: retained intron. Not counted in ClinVar's aggregate classification.

NM_004646.4(NPHS1):c.3230A>G (p.Asn1077Ser)

Gene: NPHS1 (NPHS1 adhesion molecule, nephrin; minus strand). Cytogenetic location: 19q13.12.
Variant type: single nucleotide variant.
Coding change: c.3230A>G on transcript NM_004646.4 (MANE Select); coding-DNA position 3230, A replaced by G.
Protein change: p.Asn1077Ser; replaces asparagine 1077 with serine.
Molecular consequence: missense variant.
Genome position (GRCh38, 1-based): chr19:35,831,699, T>C on the plus strand (A>G on the coding strand, the complement: NPHS1 is on the minus strand). VCF-style: chr19-35831699-T-C. GRCh37 (hg19) VCF-style: chr19-36322601-T-C.
Other names: short protein forms N1077S.
Identifiers: ClinVar variation 259496 (VCV000259496.31), dbSNP rs4806213, ClinGen allele CA9389868.